The following is an entry in ClinVar:

ClinVar aggregate classification (germline): Likely benign. Review status: criteria provided, multiple submitters, no conflicts (2 of 4 stars). 2 submissions from 2 submitters: Likely benign (2). Last evaluated 2024-08-22.

Allele frequency attached by ClinVar (database versions not stated): gnomAD exomes below 0.00001; ExAC 0.00001; TOPMed 0.00005.
gnomAD v4.1: 6 of 1,608,062 alleles (0.00037%); highest among the groups gnomAD compares: Admixed American, 0.01%; no homozygotes.

Submissions (2):

Labcorp Genetics (formerly Invitae), Labcorp
Classification: Likely benign. Last evaluated: 2024-08-22. Review status: criteria provided, single submitter. Criteria: Invitae Variant Classification Sherloc (09022015). Collection method: clinical testing. Allele origin: germline.

Laboratory for Molecular Medicine, Mass General Brigham Personalized Medicine
Classification: Likely benign. Last evaluated: 2011-01-07. Review status: criteria provided, single submitter. Criteria: LMM Criteria. Collection method: clinical testing. Allele origin: germline. Observed: 1 variant allele.
Comment: Ala679Ala in exon 17 of OTOF: This variant is not expected to have clinical sign ificance because it does not alter an amino acid residue and is not located near a splice junction.

NM_194248.3(OTOF):c.2037C>T (p.Ala679=)

Gene: OTOF (otoferlin; minus strand). Cytogenetic location: 2p23.3.
Variant type: single nucleotide variant.
Coding change: c.2037C>T on transcript NM_194248.3 (MANE Select); coding-DNA position 2037, C replaced by T.
Protein change: p.Ala679=; no amino-acid change (alanine 679 retained).
Molecular consequence: synonymous variant.
Genome position (GRCh38, 1-based): chr2:26,479,529, G>A on the plus strand (C>T on the coding strand, the complement: OTOF is on the minus strand). VCF-style: chr2-26479529-G-A. GRCh37 (hg19) VCF-style: chr2-26702397-G-A.
Other names: c.2037C>T, p.Ala679= (NM_001287489.2).
Identifiers: ClinVar variation 48184 (VCV000048184.8), dbSNP rs397517937, ClinGen allele CA142780.